The following is an entry in ClinVar:

ClinVar aggregate classification (germline): Benign. Review status: criteria provided, multiple submitters, no conflicts (2 of 4 stars). 2 submissions from 2 submitters: Benign (2). Last evaluated 2018-01-13.

Conditions:
Papillary renal cell carcinoma type 1 (RCCP1). Also called: RENAL CELL CARCINOMA, PAPILLARY, 1, SOMATIC; Renal adenocarcinoma; Renal cell carcinoma 1; Renal cell carcinoma, somatic. Identifiers: Orphanet 47044, MedGen C1336839, OMIM 605074, HP:0011797.

Allele frequency attached by ClinVar (database versions not stated): gnomAD 0.63315 and 0.64317; TOPMed 0.63961; gnomAD exomes 0.69465; 1000 Genomes Project 30x 0.70456; 1000 Genomes Project 0.70647.
gnomAD v4.1: 150,263 of 227,786 alleles (66%); highest among the groups gnomAD compares: East Asian, 87%; 50,325 homozygotes.

Submissions (2):

Illumina Laboratory Services, Illumina
Classification: Benign for Papillary renal cell carcinoma type 1. Last evaluated: 2018-01-13. Review status: criteria provided, single submitter. Criteria: ICSL Variant Classification Criteria 13 December 2019. Collection method: clinical testing. Allele origin: germline.
Comment: This variant was observed in the ICSL laboratory as part of a predisposition screen in an ostensibly healthy population. It had not been previously curated by ICSL or reported in the Human Gene Mutation Database (HGMD: prior to June 1st, 2018), and was therefore a candidate for classification through an automated scoring system. Utilizing variant allele frequency, disease prevalence and penetrance estimates, and inheritance mode, an automated score was calculated to assess if this variant is too frequent to cause the disease. Based on the score and internal cut-off values, a variant classified as benign is not then subjected to further curation. The score for this variant resulted in a classification of benign for this disease.

Breakthrough Genomics
Classification: Benign. Review status: criteria provided, single submitter. Criteria: ACMG Guidelines, 2015. Collection method: not provided. Allele origin: germline. Inheritance: Autosomal recessive inheritance. Affected: yes.

NM_000245.4(MET):c.*1428G>A

Gene: MET (MET proto-oncogene, receptor tyrosine kinase; plus strand). Cytogenetic location: 7q31.2.
Variant type: single nucleotide variant.
Coding change: c.*1428G>A on transcript NM_000245.4 (MANE Select); 1428 bases downstream of the stop codon, G replaced by A.
Molecular consequence: 3 prime UTR variant.
Genome position (GRCh38, 1-based): chr7:116,797,552, G>A. VCF-style: chr7-116797552-G-A. GRCh37 (hg19) VCF-style: chr7-116437606-G-A.
Other names: c.*1428G>A (LRG_662t1, NM_001127500.3, NM_001324402.2).
Identifiers: ClinVar variation 358717 (VCV000358717.6), dbSNP rs1621, ClinGen allele CA10623074.